The following is an entry in ClinVar:

NM_002860.4(ALDH18A1):c.709G>C (p.Gly237Arg)

Gene: ALDH18A1 (aldehyde dehydrogenase 18 family member A1; minus strand). Cytogenetic location: 10q24.1.
Variant type: single nucleotide variant.
Coding change: c.709G>C on transcript NM_002860.4 (MANE Select); coding-DNA position 709, G replaced by C.
Protein change: p.Gly237Arg; replaces glycine 237 with arginine.
Molecular consequence: missense variant.
Genome position (GRCh38, 1-based): chr10:95,633,499, C>G on the plus strand (G>C on the coding strand, the complement: ALDH18A1 is on the minus strand). VCF-style: chr10-95633499-C-G. GRCh37 (hg19) VCF-style: chr10-97393256-C-G.
Other names: p.Gly237Arg; c.709G>C, p.Gly237Arg (NM_001017423.2, NM_001323413.2, NM_001323414.2 and 1 more transcripts); c.376G>C, p.Gly126Arg (NM_001323412.2, NM_001323416.2, NM_001323418.2); c.604G>C, p.Gly202Arg (NM_001323417.2); c.73G>C, p.Gly25Arg (NM_001323419.2); short protein forms G237R, G202R, G25R, G126R.
Identifiers: ClinVar variation 573157 (VCV000573157.18), dbSNP rs201841420, ClinGen allele CA211800940.
Genomic context (GRCh38, chr10:95,633,499, plus strand): 5'-GCATGGTGTTAGTGTCTCCAGCATGCTAAACCCTTAGAAATACTTTACCCACATTTACCC[C>G]CTGCAGGTCACTGTTGGGCTCAGCTGGGGGGACAACAGCATCATTTGTGTTGACAATGGG-3'
Protein context (NP_002851.2, residues 227-247): PPAEPNSDLQ[Gly237Arg]VNVISVKDND

ClinVar aggregate classification (germline): Uncertain significance. Review status: criteria provided, multiple submitters, no conflicts (2 of 4 stars). 5 submissions from 5 submitters: Uncertain significance (4). 1 of the submissions does not count toward it. Last evaluated 2026-02-17.

Conditions:
Inborn genetic diseases. Identifiers: MedGen C0950123, MeSH D030342.
de Barsy syndrome. Also called: Cutis laxa-corneal clouding-oligophrenia syndrome. Identifiers: Orphanet 2962, MedGen C0268354, MONDO:0017569.
Autosomal dominant spastic paraplegia type 9. Identifiers: MedGen C1832669, MONDO:0015091.
Cutis laxa, autosomal dominant 3 (ADCL3). Identifiers: Orphanet 90348, MedGen C4225268, MONDO:0014706, OMIM 616603.
ALDH18A1-related disorder. Also called: ALDH18A1-related disorders.

Allele frequency attached by ClinVar (database versions not stated): TOPMed 0.00002; gnomAD 0.00003.
gnomAD v4.1: 10 of 1,614,016 alleles (0.00062%); highest among the groups gnomAD compares: African/African-American, 0.0027%; no homozygotes.

Submissions (5):

Ambry Genetics
Classification: Uncertain significance for Inborn genetic diseases. Last evaluated: 2026-02-17. Review status: criteria provided, single submitter. Criteria: Ambry Variant Classification Scheme 2023. Collection method: clinical testing. Allele origin: germline.
Comment: The c.709G>C (p.G237R) alteration is located in exon 6 (coding exon 5) of the ALDH18A1 gene. This alteration results from a G to C substitution at nucleotide position 709, causing the glycine (G) at amino acid position 237 to be replaced by an arginine (R). Based on data from gnomAD, the C allele has an overall frequency of 0.001% (2/282626) total alleles studied. The highest observed frequency was 0.003% (1/35430) of Latino alleles. Based on insufficient or conflicting evidence, the clinical significance of this alteration remains unclear.

GeneDx
Classification: Uncertain significance. Last evaluated: 2025-10-16. Review status: criteria provided, single submitter. Criteria: GeneDx Variant Classification Process June 2021. Collection method: clinical testing. Allele origin: germline. Affected: yes.
Comment: Not observed at significant frequency in large population cohorts (gnomAD); In silico analysis supports that this missense variant has a deleterious effect on protein structure/function; Has not been previously published as pathogenic or benign to our knowledge

Labcorp Genetics (formerly Invitae), Labcorp
Classification: Uncertain significance for Autosomal dominant spastic paraplegia type 9; de Barsy syndrome; Cutis laxa, autosomal dominant 3. Last evaluated: 2025-10-02. Review status: criteria provided, single submitter. Criteria: Invitae Variant Classification Sherloc (09022015). Collection method: clinical testing. Allele origin: germline.
Comment: This sequence change replaces glycine, which is neutral and non-polar, with arginine, which is basic and polar, at codon 237 of the ALDH18A1 protein (p.Gly237Arg). This variant is present in population databases (no rsID available, gnomAD 0.003%). This variant has not been reported in the literature in individuals affected with ALDH18A1-related conditions. ClinVar contains an entry for this variant (Variation ID: 573157). Invitae Evidence Modeling of protein sequence and biophysical properties (such as structural, functional, and spatial information, amino acid conservation, physicochemical variation, residue mobility, and thermodynamic stability) has been performed for this missense variant. However, the output from this modeling did not meet the statistical confidence thresholds required to predict the impact of this variant on ALDH18A1 protein function. Algorithms developed to predict the effect of sequence changes on RNA splicing suggest that this variant may create or strengthen a splice site. In summary, the available evidence is currently insufficient to determine the role of this variant in disease. Therefore, it has been classified as a Variant of Uncertain Significance.

Mayo Clinic Laboratories, Mayo Clinic
Classification: Uncertain significance. Last evaluated: 2023-07-18. Review status: criteria provided, single submitter. Criteria: ACMG Guidelines, 2015. Collection method: clinical testing. Allele origin: germline. Observed: 1 variant allele.

PreventionGenetics, part of Exact Sciences
Classification: Uncertain significance for ALDH18A1-related condition. Last evaluated: 2023-12-13. Review status: no assertion criteria provided. Collection method: clinical testing. Allele origin: germline. Not counted in ClinVar's aggregate classification.
Comment: The ALDH18A1 c.709G>C variant is predicted to result in the amino acid substitution p.Gly237Arg. To our knowledge, this variant has not been reported in the literature. This variant is reported in 0.0028% of alleles in individuals of Latino descent in gnomAD. At this time, the clinical significance of this variant is uncertain due to the absence of conclusive functional and genetic evidence.